The following is an entry in ClinVar:

ClinVar aggregate classification (germline): Uncertain significance (1 of 4 stars; one submission).

Conditions:
Kabuki syndrome 1 (KABUK1). Also called: KMT2D-Related Kabuki Syndrome. Identifiers: Orphanet 2322, MedGen CN030661, MONDO:0007843, OMIM 147920.

Submission:

3billion
Classification: Uncertain significance for Kabuki syndrome 1. Last evaluated: 2024-08-14. Review status: criteria provided, single submitter. Criteria: ACMG Guidelines, 2015. Collection method: clinical testing. Allele origin: germline. Affected: yes.
Comment: The variant is not observed in the gnomAD v4.0.0 dataset. Predicted Consequence/Location: Missense variant Damaging effect on gene or gene product predicted by in silico programs is uncertain [REVEL: 0.58 (damaging >=0.6, benign <0.4), 3Cnet: 0.48 (damaging >=0.6, benign <0.15)]. The same nucleotide change resulting in the same amino acid change has been previously reported to be associated with KMT2D related disorder (PMID: 27530205). However, the evidence of pathogenicity is insufficient at this time. Therefore, this variant is classified as VUS according to the recommendation of ACMG/AMP guideline.

Literature cited by the submitters: PubMed 27530205.

NM_003482.4(KMT2D):c.4209C>G (p.Cys1403Trp)

Gene: KMT2D (lysine methyltransferase 2D; minus strand). Cytogenetic location: 12q13.12.
Variant type: single nucleotide variant.
Coding change: c.4209C>G on transcript NM_003482.4 (MANE Select); coding-DNA position 4209, C replaced by G.
Protein change: p.Cys1403Trp; replaces cysteine 1403 with tryptophan.
Molecular consequence: missense variant.
Genome position (GRCh38, 1-based): chr12:49,047,992, G>C on the plus strand (C>G on the coding strand, the complement: KMT2D is on the minus strand). VCF-style: chr12-49047992-G-C. GRCh37 (hg19) VCF-style: chr12-49441775-G-C.
Other names: short protein forms C1403W.
Identifiers: ClinVar variation 4293939 (VCV004293939.1).